The following is an entry in ClinVar:

NM_031892.3(SH3KBP1):c.1076A>G (p.His359Arg)

Gene: SH3KBP1 (SH3 domain containing kinase binding protein 1; minus strand). Cytogenetic location: Xp22.12.
Variant type: single nucleotide variant.
Coding change: c.1076A>G on transcript NM_031892.3 (MANE Select); coding-DNA position 1076, A replaced by G.
Protein change: p.His359Arg; replaces histidine 359 with arginine.
Molecular consequence: missense variant.
Genome position (GRCh38, 1-based): chrX:19,592,129, T>C on the plus strand (A>G on the coding strand, the complement: SH3KBP1 is on the minus strand). VCF-style: chrX-19592129-T-C. GRCh37 (hg19) VCF-style: chrX-19610247-T-C.
Other names: c.362A>G, p.His121Arg (NM_001184960.2, NM_001353897.2); c.1076A>G, p.His359Arg (NM_001353890.2); c.1151A>G, p.His384Arg (NM_001353891.2, NM_001353892.2); c.974A>G, p.His325Arg (NM_001353893.2, NM_001353894.2); c.1031A>G, p.His344Arg (NM_001353895.2); c.1208A>G, p.His403Arg (NM_001410756.1, NM_001410757.1); c.899A>G, p.His300Arg (NM_001410758.1); c.965A>G, p.His322Arg (NM_001024666.3); short protein forms H325R, H359R, H384R, H121R, H300R, H344R, H322R, H403R.
Identifiers: ClinVar variation 2190065 (VCV002190065.4), dbSNP rs781609512, ClinGen allele CA10364640.

ClinVar aggregate classification (germline): Uncertain significance (1 of 4 stars; one submission).

Allele frequency attached by ClinVar (database versions not stated): gnomAD exomes below 0.00001; ExAC 0.00001.
gnomAD v4.1: 3 of 1,204,605 alleles (0.00025%); highest among the groups gnomAD compares: East Asian, 0.003%; no homozygotes.

Submission:

Labcorp Genetics (formerly Invitae), Labcorp
Classification: Uncertain significance. Last evaluated: 2022-09-24. Review status: criteria provided, single submitter. Criteria: Invitae Variant Classification Sherloc (09022015). Collection method: clinical testing. Allele origin: germline.
Comment: This sequence change replaces histidine, which is basic and polar, with arginine, which is basic and polar, at codon 359 of the SH3KBP1 protein (p.His359Arg). The frequency data for this variant in the population databases is considered unreliable, as metrics indicate poor data quality at this position in the gnomAD database. This variant has not been reported in the literature in individuals affected with SH3KBP1-related conditions. Algorithms developed to predict the effect of missense changes on protein structure and function (SIFT, PolyPhen-2, Align-GVGD) all suggest that this variant is likely to be tolerated. In summary, the available evidence is currently insufficient to determine the role of this variant in disease. Therefore, it has been classified as a Variant of Uncertain Significance.